The following is an entry in ClinVar:

ClinVar aggregate classification (germline): Benign (1 of 4 stars; one submission).

Allele frequency attached by ClinVar (database versions not stated): gnomAD exomes 0.08735; 1000 Genomes Project 0.13518; 1000 Genomes Project 30x 0.14304; gnomAD 0.14600 and 0.15154; TOPMed 0.15223.
gnomAD v4.1: 72,056 of 719,536 alleles (10%); highest among the groups gnomAD compares: African/African-American, 29%; 4,953 homozygotes.

Submission:

GeneDx
Classification: Benign. Last evaluated: 2018-06-19. Review status: criteria provided, single submitter. Criteria: GeneDx Variant Classification (06012015). Collection method: clinical testing. Allele origin: germline. Affected: yes.
Comment: This variant is considered likely benign or benign based on one or more of the following criteria: it is a conservative change, it occurs at a poorly conserved position in the protein, it is predicted to be benign by multiple in silico algorithms, and/or has population frequency not consistent with disease.

NM_006073.4(TRDN):c.991+122G>A

Gene: TRDN (triadin; minus strand). Cytogenetic location: 6q22.31.
Variant type: single nucleotide variant.
Coding change: c.991+122G>A on transcript NM_006073.4 (MANE Select); 122 bases into the intron after coding-DNA position 991, G replaced by A.
Molecular consequence: intron variant.
Genome position (GRCh38, 1-based): chr6:123,438,822, C>T on the plus strand (G>A on the coding strand, the complement: TRDN is on the minus strand). VCF-style: chr6-123438822-C-T. GRCh37 (hg19) VCF-style: chr6-123759967-C-T.
Other names: c.991+122G>A (NM_001251987.2).
Identifiers: ClinVar variation 674870 (VCV000674870.1), dbSNP rs9320937, ClinGen allele CA147270984.